The following is an entry in ClinVar:

NM_001349253.2(SCN11A):c.2866C>T (p.Pro956Ser)

Gene: SCN11A (sodium voltage-gated channel alpha subunit 11; minus strand). Cytogenetic location: 3p22.2.
Variant type: single nucleotide variant.
Coding change: c.2866C>T on transcript NM_001349253.2 (MANE Select); coding-DNA position 2866, C replaced by T.
Protein change: p.Pro956Ser; replaces proline 956 with serine.
Molecular consequence: missense variant.
Genome position (GRCh38, 1-based): chr3:38,886,208, G>A on the plus strand (C>T on the coding strand, the complement: SCN11A is on the minus strand). VCF-style: chr3-38886208-G-A. GRCh37 (hg19) VCF-style: chr3-38927699-G-A.
Other names: c.2866C>T, p.Pro956Ser (NM_014139.3); short protein forms P956S.
Identifiers: ClinVar variation 1719015 (VCV001719015.5), dbSNP rs2470544059, ClinGen allele CA352174195.

ClinVar aggregate classification (germline): Uncertain significance (1 of 4 stars; one submission).

Conditions:
Hereditary sensory and autonomic neuropathy type 7. Also called: HSAN VII; Neuropathy, hereditary sensory and autonomic, type VII. Identifiers: Orphanet 391397, MedGen C3809882, MONDO:0014244, OMIM 615548.
Familial episodic pain syndrome with predominantly lower limb involvement. Also called: Episodic pain syndrome, familial, 3. Identifiers: Orphanet 391384, Orphanet 391392, MedGen C3809899, MONDO:0014247, OMIM 615552.

Submission:

Labcorp Genetics (formerly Invitae), Labcorp
Classification: Uncertain significance for Familial episodic pain syndrome with predominantly lower limb involvement; Hereditary sensory and autonomic neuropathy type 7. Last evaluated: 2022-09-07. Review status: criteria provided, single submitter. Criteria: Invitae Variant Classification Sherloc (09022015). Collection method: clinical testing. Allele origin: germline.
Comment: In summary, the available evidence is currently insufficient to determine the role of this variant in disease. Therefore, it has been classified as a Variant of Uncertain Significance. Algorithms developed to predict the effect of missense changes on protein structure and function output the following: SIFT: "Tolerated"; PolyPhen-2: "Benign"; Align-GVGD: "Class C0". The serine amino acid residue is found in multiple mammalian species, which suggests that this missense change does not adversely affect protein function. This variant has not been reported in the literature in individuals affected with SCN11A-related conditions. This variant is not present in population databases (gnomAD no frequency). This sequence change replaces proline, which is neutral and non-polar, with serine, which is neutral and polar, at codon 956 of the SCN11A protein (p.Pro956Ser).